The following is an entry in ClinVar:

NM_001365999.1(SZT2):c.9007T>C (p.Phe3003Leu)

Gene: SZT2 (SZT2 subunit of KICSTOR complex; plus strand). Cytogenetic location: 1p34.2.
Variant type: single nucleotide variant.
Coding change: c.9007T>C on transcript NM_001365999.1 (MANE Select); coding-DNA position 9007, T replaced by C.
Protein change: p.Phe3003Leu; replaces phenylalanine 3003 with leucine.
Molecular consequence: missense variant.
Genome position (GRCh38, 1-based): chr1:43,446,351, T>C. VCF-style: chr1-43446351-T-C. GRCh37 (hg19) VCF-style: chr1-43912022-T-C.
Other names: c.8836T>C, p.Phe2946Leu (NM_015284.4); short protein forms F2946L, F3003L.
Identifiers: ClinVar variation 1001032 (VCV001001032.6), dbSNP rs967881504, ClinGen allele CA21651764.
Genomic context (GRCh38, chr1:43,446,351, plus strand): 5'-CAGACCCACCTGTCTCTCGCCTTCCTGATCTCATCTTCACCTTCCCTCCAGGGCTGTTAC[T>C]TCTGTGTCAAACAGTTTGCCCTGGAATGTTCCCGAATCCCAATGGGGCAGGCTGTCAACT-3'
Protein context (NP_001352928.1, residues 2993-3013): LMELAFQGCY[Phe3003Leu]CVKQFALECS

ClinVar aggregate classification (germline): Uncertain significance (1 of 4 stars; one submission).

Allele frequency attached by ClinVar (database versions not stated): gnomAD exomes below 0.00001 and 0.00001; gnomAD 0.00001; TOPMed 0.00004.
gnomAD v4.1: 6 of 1,614,150 alleles (0.00037%); highest among the groups gnomAD compares: African/African-American, 0.0053%; no homozygotes.

Submission:

Labcorp Genetics (formerly Invitae), Labcorp
Classification: Uncertain significance. Last evaluated: 2021-08-28. Review status: criteria provided, single submitter. Criteria: Invitae Variant Classification Sherloc (09022015). Collection method: clinical testing. Allele origin: germline.
Comment: This sequence change replaces phenylalanine with leucine at codon 2946 of the SZT2 protein (p.Phe2946Leu). The phenylalanine residue is highly conserved and there is a small physicochemical difference between phenylalanine and leucine. This variant is not present in population databases (ExAC no frequency). This variant has not been reported in the literature in individuals affected with SZT2-related conditions. Algorithms developed to predict the effect of missense changes on protein structure and function are either unavailable or do not agree on the potential impact of this missense change (SIFT: "Tolerated"; PolyPhen-2: "Probably Damaging"; Align-GVGD: "Class C0"). In summary, the available evidence is currently insufficient to determine the role of this variant in disease. Therefore, it has been classified as a Variant of Uncertain Significance.